The following is an entry in ClinVar:

ClinVar aggregate classification (germline): Uncertain significance (1 of 4 stars; one submission).

Conditions:
Kufor-Rakeb syndrome (KRS). Also called: PARKINSON DISEASE 9, AUTOSOMAL RECESSIVE, JUVENILE-ONSET. Identifiers: Orphanet 306674, Orphanet 314632, MedGen C1847640, MONDO:0011706, OMIM 606693.
Autosomal recessive spastic paraplegia type 78. Identifiers: Orphanet 513436, MedGen C5567893, MONDO:0014975, OMIM 617225.

Submission:

Labcorp Genetics (formerly Invitae), Labcorp
Classification: Uncertain significance for Kufor-Rakeb syndrome; Autosomal recessive spastic paraplegia type 78. Last evaluated: 2021-12-27. Review status: criteria provided, single submitter. Criteria: Invitae Variant Classification Sherloc (09022015). Collection method: clinical testing. Allele origin: germline.
Comment: In summary, the available evidence is currently insufficient to determine the role of this variant in disease. Therefore, it has been classified as a Variant of Uncertain Significance. This variant has not been reported in the literature in individuals affected with ATP13A2-related conditions. This variant results in a copy number gain of the genomic region encompassing exon(s) 1-23 of the ATP13A2 gene. This region includes the initiator codon of the gene. This copy number gain extends beyond the assayed region for this gene and therefore may encompass additional genes. As the precise location of this event is unknown, it may be in tandem or it may be located elsewhere in the genome.

NC_000001.10:g.(?_17316166)_(17338233_?)dup

Gene: ATP13A2 (ATPase cation transporting 13A2; minus strand). Cytogenetic location: 1p36.13.
Variant type: Duplication.
Identifiers: ClinVar variation 2426712 (VCV002426712.5).